The following is an entry in ClinVar:

ClinVar aggregate classification (germline): Uncertain significance (1 of 4 stars; one submission).

Conditions:
Hyperphosphatasia with impaired intellectual development syndrome 2. Also called: Hyperphosphatasia with intellectual disability syndrome 2; GLYCOSYLPHOSPHATIDYLINOSITOL BIOSYNTHESIS DEFECT 6. Identifiers: Orphanet 247262, MedGen C3553637, MONDO:0013882, OMIM 614749.

gnomAD v4.1: 1 of 1,614,190 alleles (0.000062%); no homozygotes.

Submission:

Labcorp Genetics (formerly Invitae), Labcorp
Classification: Uncertain significance for Hyperphosphatasia with impaired intellectual development syndrome 2. Last evaluated: 2023-08-04. Review status: criteria provided, single submitter. Criteria: Invitae Variant Classification Sherloc (09022015). Collection method: clinical testing. Allele origin: germline.
Comment: This sequence change replaces isoleucine, which is neutral and non-polar, with threonine, which is neutral and polar, at codon 855 of the PIGO protein (p.Ile855Thr). This variant is not present in population databases (gnomAD no frequency). This variant has not been reported in the literature in individuals affected with PIGO-related conditions. ClinVar contains an entry for this variant (Variation ID: 2082681). An algorithm developed to predict the effect of missense changes on protein structure and function (PolyPhen-2) suggests that this variant is likely to be tolerated. In summary, the available evidence is currently insufficient to determine the role of this variant in disease. Therefore, it has been classified as a Variant of Uncertain Significance.

NM_032634.4(PIGO):c.2564T>C (p.Ile855Thr)

Gene: PIGO (phosphatidylinositol glycan anchor biosynthesis class O; minus strand). Cytogenetic location: 9p13.3.
Variant type: single nucleotide variant.
Coding change: c.2564T>C on transcript NM_032634.4 (MANE Select); coding-DNA position 2564, T replaced by C.
Protein change: p.Ile855Thr; replaces isoleucine 855 with threonine.
Molecular consequence: missense variant. On other transcripts: intron variant (2).
Genome position (GRCh38, 1-based): chr9:35,091,323, A>G on the plus strand (T>C on the coding strand, the complement: PIGO is on the minus strand). VCF-style: chr9-35091323-A-G. GRCh37 (hg19) VCF-style: chr9-35091320-A-G.
Other names: c.1345-32T>C (NM_152850.4, NM_001201484.2); short protein forms I855T.
Identifiers: ClinVar variation 2082681 (VCV002082681.4), dbSNP rs2490444557, ClinGen allele CA373319357.